The following is an entry in ClinVar:

NM_000352.6(ABCC8):c.2706G>A (p.Met902Ile)

Gene: ABCC8 (ATP binding cassette subfamily C member 8; minus strand). Cytogenetic location: 11p15.1.
Variant type: single nucleotide variant.
Coding change: c.2706G>A on transcript NM_000352.6 (MANE Select); coding-DNA position 2706, G replaced by A.
Protein change: p.Met902Ile; replaces methionine 902 with isoleucine.
Molecular consequence: missense variant. On other transcripts: non-coding transcript variant (1).
Genome position (GRCh38, 1-based): chr11:17,408,506, C>T on the plus strand (G>A on the coding strand, the complement: ABCC8 is on the minus strand). VCF-style: chr11-17408506-C-T. GRCh37 (hg19) VCF-style: chr11-17430053-C-T.
Other names: c.2709G>A, p.Met903Ile (NM_001287174.3); c.2772G>A, p.Met924Ile (NM_001351295.2); c.2706G>A, p.Met902Ile (NM_001351296.2); c.2703G>A, p.Met901Ile (NM_001351297.2); short protein forms M902I, M903I, M901I, M924I.
Identifiers: ClinVar variation 3599357 (VCV003599357.3).
Genomic context (GRCh38, chr11:17,408,506, plus strand): 5'-CTGGCATTCAGACCTCTGGAAGTCCTTGAGGGTACCCTCCCTCTGGATGGTGCCATCCTT[C>T]ATGGCAATGATCTGGAAAGGCAGCAACAAACGTGGTTTGGGGGCTGGCTGGGGAGGAATG-3'
Protein context (NP_000343.2, residues 892-912): YLPHADWIIA[Met902Ile]KDGTIQREGT

ClinVar aggregate classification (germline): Uncertain significance. Review status: criteria provided, multiple submitters, no conflicts (2 of 4 stars). 2 submissions from 2 submitters: Uncertain significance (2). Last evaluated 2024-09-27.

Conditions:
Type 2 diabetes mellitus. Also called: Type II diabetes mellitus. Identifiers: MedGen C0011860, MeSH D003924, MONDO:0005148, OMIM 125853, HP:0005978.
Leucine-induced hypoglycemia (LIH). Also called: LEUCINE-SENSITIVE HYPOGLYCEMIA OF INFANCY. Identifiers: MedGen C0271714, MONDO:0009415, OMIM 240800.
Diabetes mellitus, permanent neonatal 3. Also called: ABCC8-Related Permanent Neonatal Diabetes Mellitus. Identifiers: MedGen C5394303, MONDO:0030088, OMIM 618857.
Diabetes mellitus, transient neonatal, 2 (TNDM2). Identifiers: Orphanet 99886, MedGen C1835887, MONDO:0012480, OMIM 610374. Disease mechanism: loss of function.
Hyperinsulinemic hypoglycemia, familial, 1 (HHF1). Also called: NESIDIOBLASTOSIS OF PANCREAS; Persistent hyperinsulinemic hypoglycemia of infancy; HYPERINSULINISM, FAMILIAL, WITH PANCREATIC NESIDIOBLASTOSIS; HYPOGLYCEMIA, HYPERINSULINEMIC, OF INFANCY; Persistent Hyperinsulinemia Hypoglycemia of Infancy. Identifiers: Orphanet 276575, Orphanet 276598, MedGen C2931832, MONDO:0009734, OMIM 256450.

gnomAD v4.1: 17 of 1,611,384 alleles (0.0011%); highest among the groups gnomAD compares: African/African-American, 0.023%; no homozygotes.

Submissions (2):

Labcorp Genetics (formerly Invitae), Labcorp
Classification: Uncertain significance. Last evaluated: 2024-09-27. Review status: criteria provided, single submitter. Criteria: Invitae Variant Classification Sherloc (09022015). Collection method: clinical testing. Allele origin: germline.
Comment: This sequence change replaces methionine, which is neutral and non-polar, with isoleucine, which is neutral and non-polar, at codon 902 of the ABCC8 protein (p.Met902Ile). The frequency data for this variant in the population databases is considered unreliable, as metrics indicate poor data quality at this position in the gnomAD database. This variant has not been reported in the literature in individuals affected with ABCC8-related conditions. Invitae Evidence Modeling of protein sequence and biophysical properties (such as structural, functional, and spatial information, amino acid conservation, physicochemical variation, residue mobility, and thermodynamic stability) has been performed for this missense variant. However, the output from this modeling did not meet the statistical confidence thresholds required to predict the impact of this variant on ABCC8 protein function. In summary, the available evidence is currently insufficient to determine the role of this variant in disease. Therefore, it has been classified as a Variant of Uncertain Significance.

Fulgent Genetics
Classification: Uncertain significance for Type 2 diabetes mellitus; Leucine-induced hypoglycemia; Hyperinsulinemic hypoglycemia, familial, 1; Diabetes mellitus, transient neonatal, 2; Diabetes mellitus, permanent neonatal 3. Last evaluated: 2024-02-04. Review status: criteria provided, single submitter. Criteria: ACMG Guidelines, 2015. Collection method: clinical testing. Allele origin: germline.